The following is an entry in ClinVar:

ClinVar aggregate classification (germline): Uncertain significance (1 of 4 stars; one submission).

Conditions:
SERPINA1-related disorder. Also called: SERPINA1-related condition; SerpinA1-related disorders.

gnomAD v4.1: 1 of 1,614,108 alleles (0.000062%); highest among the groups gnomAD compares: Admixed American, 0.0017%; no homozygotes.

Submission:

PreventionGenetics, part of Exact Sciences
Classification: Uncertain significance for SERPINA1-related condition. Last evaluated: 2025-12-09. Review status: criteria provided, single submitter. Criteria: ACMG Guidelines, 2015. Collection method: clinical testing. Allele origin: germline.
Comment: The SERPINA1 c.77A>T variant is predicted to result in the amino acid substitution p.Asp26Val. To our knowledge, this variant has not been reported in the literature. This variant is reported in 0.0029% of alleles in individuals of Latino descent in gnomAD. At this time, the clinical significance of this variant is uncertain due to the absence of conclusive functional and genetic evidence.

NM_000295.5(SERPINA1):c.77A>T (p.Asp26Val)

Gene: SERPINA1 (serpin family A member 1; minus strand). Cytogenetic location: 14q32.13.
Variant type: single nucleotide variant.
Coding change: c.77A>T on transcript NM_000295.5 (MANE Select); coding-DNA position 77, A replaced by T.
Protein change: p.Asp26Val; replaces aspartic acid 26 with valine.
Molecular consequence: missense variant.
Genome position (GRCh38, 1-based): chr14:94,383,161, T>A on the plus strand (A>T on the coding strand, the complement: SERPINA1 is on the minus strand). VCF-style: chr14-94383161-T-A. GRCh37 (hg19) VCF-style: chr14-94849498-T-A.
Other names: c.77A>T, p.Asp26Val (NM_001002235.3, NM_001002236.3, NM_001127700.2 and 7 more transcripts); short protein forms D26V.
Identifiers: ClinVar variation 4989123 (VCV004989123.1).
Genomic context (GRCh38, chr14:94,383,161, plus strand): 5'-GTTGGGTGATCCTGATCATGGTGGGATGTATCTGTCTTCTGGGCAGCATCTCCCTGGGGA[T>A]CCTCAGCCAGGGAGACAGGGACCAGGCAGCACAGGCCTGCCAGCAGGAGGATGCCCCACG-3'
Protein context (NP_000286.3, residues 16-36): CCLVPVSLAE[Asp26Val]PQGDAAQKTD